The following is an entry in ClinVar:

NM_013437.5(LRP12):c.-51T>C

Gene: LRP12 (LDL receptor related protein 12; minus strand). Cytogenetic location: 8q22.3.
Variant type: single nucleotide variant.
Coding change: c.-51T>C on transcript NM_013437.5 (MANE Select); 51 bases upstream of the start codon, T replaced by C.
Molecular consequence: 5 prime UTR variant.
Genome position (GRCh38, 1-based): chr8:104,588,948, A>G on the plus strand (T>C on the coding strand, the complement: LRP12 is on the minus strand). VCF-style: chr8-104588948-A-G. GRCh37 (hg19) VCF-style: chr8-105601176-A-G.
Other names: c.-51T>C (NM_001135703.3).
Identifiers: ClinVar variation 1240799 (VCV001240799.3), dbSNP rs9694676, ClinGen allele CA4839279.

ClinVar aggregate classification (germline): Benign. Review status: criteria provided, multiple submitters, no conflicts (2 of 4 stars). 2 submissions from 2 submitters: Benign (2). Last evaluated 2020-10-29.

Allele frequency attached by ClinVar (database versions not stated): gnomAD exomes 0.08642; ExAC 0.14681; ESP Exome Variant Server 0.17895; 1000 Genomes Project 0.17951; TOPMed 0.18527; gnomAD 0.19169 and 0.19562.
gnomAD v4.1: 182,002 of 1,364,436 alleles (13%); highest among the groups gnomAD compares: African/African-American, 35%; 15,169 homozygotes.

Submissions (2):

GeneDx
Classification: Benign. Last evaluated: 2020-10-29. Review status: criteria provided, single submitter. Criteria: GeneDx Variant Classification Process June 2021. Collection method: clinical testing. Allele origin: germline. Affected: yes.
Comment: This variant is associated with the following publications: (PMID: 27142828)

Breakthrough Genomics
Classification: Benign. Review status: criteria provided, single submitter. Criteria: ACMG Guidelines, 2015. Collection method: not provided. Allele origin: germline. Inheritance: Autosomal dominant inheritance. Affected: yes.